The following is an entry in ClinVar:

ClinVar aggregate classification (germline): Uncertain significance (1 of 4 stars; one submission).

Conditions:
Muscular dystrophy-dystroglycanopathy (congenital with brain and eye anomalies), type A9. Also called: Muscular dystrophy-dystroglycanopathy (congenital with brain and eye anomalies), type a, 9; WALKER-WARBURG SYNDROME OR MUSCLE-EYE BRAIN DISEASE, DAG1-RELATED. Identifiers: Orphanet 370997, Orphanet 899, MedGen C4225291, MONDO:0014683, OMIM 616538.
Autosomal recessive limb-girdle muscular dystrophy type 2P. Also called: Limb-Girdle Muscular Dystrophy Type 9C; MUSCULAR DYSTROPHY, LIMB-GIRDLE, TYPE 2P; MUSCULAR DYSTROPHY-DYSTROGLYCANOPATHY, LIMB-GIRDLE, DAG1-RELATED. Identifiers: Orphanet 280333, MedGen C4511963, MONDO:0013440, OMIM 613818.

Allele frequency attached by ClinVar (database versions not stated): gnomAD 0.00001; gnomAD exomes 0.00001; ExAC 0.00002.
gnomAD v4.1: 21 of 1,614,104 alleles (0.0013%); highest among the groups gnomAD compares: Admixed American, 0.0017%; no homozygotes.

Submission:

Labcorp Genetics (formerly Invitae), Labcorp
Classification: Uncertain significance for Autosomal recessive limb-girdle muscular dystrophy type 2P; Muscular dystrophy-dystroglycanopathy (congenital with brain and eye anomalies), type A9. Last evaluated: 2020-10-08. Review status: criteria provided, single submitter. Criteria: Invitae Variant Classification Sherloc (09022015). Collection method: clinical testing. Allele origin: germline.
Comment: In summary, the available evidence is currently insufficient to determine the role of this variant in disease. Therefore, it has been classified as a Variant of Uncertain Significance. Algorithms developed to predict the effect of missense changes on protein structure and function are either unavailable or do not agree on the potential impact of this missense change (SIFT: "Deleterious"; PolyPhen-2: "Possibly Damaging"; Align-GVGD: "Class C0"). This variant has not been reported in the literature in individuals with DAG1-related conditions. This variant is present in population databases (rs763653277, ExAC 0.009%). This sequence change replaces arginine with cysteine at codon 481 of the DAG1 protein (p.Arg481Cys). The arginine residue is moderately conserved and there is a large physicochemical difference between arginine and cysteine.

NM_004393.6(DAG1):c.1441C>T (p.Arg481Cys)

Gene: DAG1 (dystroglycan 1; plus strand). Cytogenetic location: 3p21.31.
Variant type: single nucleotide variant.
Coding change: c.1441C>T on transcript NM_004393.6 (MANE Select); coding-DNA position 1441, C replaced by T.
Protein change: p.Arg481Cys; replaces arginine 481 with cysteine.
Molecular consequence: missense variant.
Genome position (GRCh38, 1-based): chr3:49,531,952, C>T. VCF-style: chr3-49531952-C-T. GRCh37 (hg19) VCF-style: chr3-49569385-C-T.
Other names: c.1441C>T, p.Arg481Cys (NM_001165928.4, NM_001177634.3, NM_001177635.3 and 9 more transcripts); short protein forms R481C.
Identifiers: ClinVar variation 1005504 (VCV001005504.3), dbSNP rs763653277, ClinGen allele CA2399083.